The following is an entry in ClinVar:

ClinVar aggregate classification (germline): Uncertain significance (1 of 4 stars; one submission).

Conditions:
D-2-hydroxyglutaric aciduria 2 (D2HGA2). Identifiers: Orphanet 79315, MedGen C3150909, MONDO:0013345, OMIM 613657.

Allele frequency attached by ClinVar (database versions not stated): gnomAD 0.00005; gnomAD exomes 0.00005; TOPMed 0.00008; ExAC 0.00018.
gnomAD v4.1: 80 of 1,613,994 alleles (0.005%); highest among the groups gnomAD compares: Admixed American, 0.042%; no homozygotes.

Submission:

Labcorp Genetics (formerly Invitae), Labcorp
Classification: Uncertain significance for D-2-hydroxyglutaric aciduria 2. Last evaluated: 2025-12-27. Review status: criteria provided, single submitter. Criteria: Invitae Variant Classification Sherloc (09022015). Collection method: clinical testing. Allele origin: germline.
Comment: This sequence change replaces alanine, which is neutral and non-polar, with valine, which is neutral and non-polar, at codon 47 of the IDH2 protein (p.Ala47Val). This variant is present in population databases (rs201173543, gnomAD 0.06%), and has an allele count higher than expected for a pathogenic variant. This variant has not been reported in the literature in individuals affected with IDH2-related conditions. ClinVar contains an entry for this variant (Variation ID: 2147992). Invitae Evidence Modeling of protein sequence and biophysical properties (such as structural, functional, and spatial information, amino acid conservation, physicochemical variation, residue mobility, and thermodynamic stability) indicates that this missense variant is not expected to disrupt IDH2 protein function with a negative predictive value of 80%. In summary, the available evidence is currently insufficient to determine the role of this variant in disease. Therefore, it has been classified as a Variant of Uncertain Significance.

NM_002168.4(IDH2):c.140C>T (p.Ala47Val)

Gene: IDH2 (isocitrate dehydrogenase (NADP(+)) 2; minus strand). Cytogenetic location: 15q26.1.
Variant type: single nucleotide variant.
Coding change: c.140C>T on transcript NM_002168.4 (MANE Select); coding-DNA position 140, C replaced by T.
Protein change: p.Ala47Val; replaces alanine 47 with valine.
Molecular consequence: missense variant. On other transcripts: 5 prime UTR variant (1), intron variant (1).
Genome position (GRCh38, 1-based): chr15:90,091,620, G>A on the plus strand (C>T on the coding strand, the complement: IDH2 is on the minus strand). VCF-style: chr15-90091620-G-A. GRCh37 (hg19) VCF-style: chr15-90634852-G-A.
Other names: c.-17C>T (NM_001289910.1); c.-17-2873C>T (NM_001290114.2); short protein forms A47V.
Identifiers: ClinVar variation 2147992 (VCV002147992.4), dbSNP rs201173543, ClinGen allele CA7733273.